The following is an entry in ClinVar:

NM_004336.5(BUB1):c.263T>C (p.Phe88Ser)

Gene: BUB1 (BUB1 mitotic checkpoint serine/threonine kinase; minus strand). Cytogenetic location: 2q13.
Variant type: single nucleotide variant.
Coding change: c.263T>C on transcript NM_004336.5 (MANE Select); coding-DNA position 263, T replaced by C.
Protein change: p.Phe88Ser; replaces phenylalanine 88 with serine.
Molecular consequence: missense variant.
Genome position (GRCh38, 1-based): chr2:110,672,820, A>G on the plus strand (T>C on the coding strand, the complement: BUB1 is on the minus strand). VCF-style: chr2-110672820-A-G. GRCh37 (hg19) VCF-style: chr2-111430397-A-G.
Other names: c.203T>C, p.Phe68Ser (NM_001278616.2); c.263T>C, p.Phe88Ser (NM_001278617.2); short protein forms F88S, F68S.
Identifiers: ClinVar variation 3483041 (VCV003483041.1).

ClinVar aggregate classification (germline): Uncertain significance (1 of 4 stars; one submission).

Submission:

Ambry Genetics
Classification: Uncertain significance. Last evaluated: 2024-08-16. Review status: criteria provided, single submitter. Criteria: Ambry Variant Classification Scheme 2023. Collection method: clinical testing. Allele origin: germline.
Comment: The p.F88S variant (also known as c.263T>C), located in coding exon 4 of the BUB1 gene, results from a T to C substitution at nucleotide position 263. The phenylalanine at codon 88 is replaced by serine, an amino acid with highly dissimilar properties. This amino acid position is conserved. In addition, the in silico prediction for this alteration is inconclusive. Based on the available evidence, the clinical significance of this variant remains unclear.